The following is an entry in ClinVar:

NM_006231.4(POLE):c.1528T>A (p.Phe510Ile)

Gene: POLE (DNA polymerase epsilon, catalytic subunit; minus strand). Cytogenetic location: 12q24.33.
Variant type: single nucleotide variant.
Coding change: c.1528T>A on transcript NM_006231.4 (MANE Select); coding-DNA position 1528, T replaced by A.
Protein change: p.Phe510Ile; replaces phenylalanine 510 with isoleucine.
Molecular consequence: missense variant.
Genome position (GRCh38, 1-based): chr12:132,672,785, A>T on the plus strand (T>A on the coding strand, the complement: POLE is on the minus strand). VCF-style: chr12-132672785-A-T. GRCh37 (hg19) VCF-style: chr12-133249371-A-T.
Other names: short protein forms F510I.
Identifiers: ClinVar variation 4141227 (VCV004141227.1).

ClinVar aggregate classification (germline): Uncertain significance (1 of 4 stars; one submission).

Conditions:
Hereditary cancer-predisposing syndrome. Also called: Hereditary neoplastic syndrome; Neoplastic Syndromes, Hereditary; Tumor predisposition; Hereditary Cancer Syndrome. Identifiers: Orphanet 140162, MedGen C0027672, MeSH D009386, MONDO:0015356.

Submission:

Ambry Genetics
Classification: Uncertain significance for Hereditary cancer-predisposing syndrome. Last evaluated: 2025-08-25. Review status: criteria provided, single submitter. Criteria: Ambry Variant Classification Scheme 2023. Collection method: clinical testing. Allele origin: germline.
Comment: The p.F510I variant (also known as c.1528T>A), located in coding exon 15 of the POLE gene, results from a T to A substitution at nucleotide position 1528. The phenylalanine at codon 510 is replaced by isoleucine, an amino acid with highly similar properties. This amino acid position is conserved. In addition, this alteration is predicted to be tolerated by in silico analysis. Based on the available evidence, the clinical significance of this variant remains unclear.